The following is an entry in ClinVar:

NM_001197104.2(KMT2A):c.5699delinsGCCAAT (p.Glu1900fs)

Gene: KMT2A (lysine methyltransferase 2A; plus strand). Cytogenetic location: 11q23.3.
Variant type: Indel.
Coding change: c.5699delinsGCCAAT on transcript NM_001197104.2 (MANE Select); coding-DNA position 5699, A replaced by GCCAAT.
Protein change: p.Glu1900fs; shifts the reading frame from glutamic acid 1900.
Molecular consequence: frameshift variant.
Genome position (GRCh38, 1-based): chr11:118,497,970, A replaced by GCCAAT. VCF-style: chr11-118497970-A-GCCAAT. GRCh37 (hg19) VCF-style: chr11-118368685-A-GCCAAT.
Other names: c.5699delAinsGCCAAT, p.Glu1900Glyfs (NM_001197104.1); c.5789delinsGCCAAT, p.Glu1930fs (NM_001412597.1); c.5690delinsGCCAAT, p.Glu1897fs (NM_005933.4); short protein forms E1897fs, E1900fs, E1930fs.
Identifiers: ClinVar variation 4850899 (VCV004850899.1).

ClinVar aggregate classification (germline): Pathogenic (1 of 4 stars; one submission).

Conditions:
Wiedemann-Steiner syndrome (WDSTS). Also called: Growth deficiency and mental retardation with facial dysmorphism. Identifiers: Orphanet 319182, MedGen C1854630, MONDO:0011518, OMIM 605130.

Submission:

Molecular Genetics Laboratory, Motol Hospital
Classification: Pathogenic for Wiedemann-Steiner syndrome. Last evaluated: 2026-05-12. Review status: criteria provided, single submitter. Criteria: ACMG Guidelines, 2015. Collection method: clinical testing. Allele origin: de novo. Inheritance: Sporadic. Affected: yes. Observed: 1 variant allele, 1 heterozygote.
Comment: Rare variant not present in non-Finnish European population (gnomAD v4.1.1) (PM2). Rare truncating variants in the KMT2A gene are associated with autosomal dominant Wiedemann Steiner syndrome (OMIM:605130) (PVS1). The variant is classified as pathogenic.

Literature cited by the submitters: PubMed 25810209; PubMed 27759909; PubMed 22795537.